The following is an entry in ClinVar:

NM_006005.3(WFS1):c.1289C>T (p.Ser430Leu)

Gene: WFS1 (wolframin ER transmembrane glycoprotein; plus strand). Cytogenetic location: 4p16.1.
Variant type: single nucleotide variant.
Coding change: c.1289C>T on transcript NM_006005.3 (MANE Select); coding-DNA position 1289, C replaced by T.
Protein change: p.Ser430Leu; replaces serine 430 with leucine.
Molecular consequence: missense variant.
Genome position (GRCh38, 1-based): chr4:6,301,084, C>T. VCF-style: chr4-6301084-C-T. GRCh37 (hg19) VCF-style: chr4-6302811-C-T.
Other names: c.1289C>T, p.Ser430Leu (NM_001145853.1); short protein forms S430L.
Identifiers: ClinVar variation 1484968 (VCV001484968.18), dbSNP rs1235562712, ClinGen allele CA356174618.

ClinVar aggregate classification (germline): Conflicting classifications of pathogenicity. Review status: criteria provided, conflicting classifications (1 of 4 stars). 4 submissions from 4 submitters: Likely pathogenic (2); Uncertain significance (2). Last evaluated 2025-07-24.

Conditions:
Wolfram syndrome 1 (WFS1). Identifiers: Orphanet 3463, MedGen C4551693, MONDO:0009101, OMIM 222300.

Submissions (4):

GeneDx
Classification: Uncertain significance. Last evaluated: 2025-07-24. Review status: criteria provided, single submitter. Criteria: GeneDx Variant Classification Process June 2021. Collection method: clinical testing. Allele origin: germline. Affected: yes.
Comment: In silico analysis supports that this missense variant has a deleterious effect on protein structure/function; This variant is associated with the following publications: (PMID: 26435059, 37383390, 21602428, 34970515, 39221226)

CeGaT Center for Human Genetics Tuebingen
Classification: Likely pathogenic. Last evaluated: 2025-04-01. Review status: criteria provided, single submitter. Criteria: CeGaT Center For Human Genetics Tuebingen Variant Classification Criteria Version 2. Collection method: clinical testing. Allele origin: germline. Affected: yes. Observed: 1 variant allele.
Comment: WFS1: PM3:Strong, PM2, PM5

Labcorp Genetics (formerly Invitae), Labcorp
Classification: Likely pathogenic. Last evaluated: 2024-09-21. Review status: criteria provided, single submitter. Criteria: Invitae Variant Classification Sherloc (09022015). Collection method: clinical testing. Allele origin: germline.
Comment: This sequence change replaces serine, which is neutral and polar, with leucine, which is neutral and non-polar, at codon 430 of the WFS1 protein (p.Ser430Leu). This variant is present in population databases (no rsID available, gnomAD 0.006%). This missense change has been observed in individual(s) with Wolfram syndrome (PMID: 21602428). ClinVar contains an entry for this variant (Variation ID: 1484968). Invitae Evidence Modeling of protein sequence and biophysical properties (such as structural, functional, and spatial information, amino acid conservation, physicochemical variation, residue mobility, and thermodynamic stability) indicates that this missense variant is expected to disrupt WFS1 protein function with a positive predictive value of 80%. This variant disrupts the p.Ser430 amino acid residue in WFS1. Other variant(s) that disrupt this residue have been observed in individuals with WFS1-related conditions (PMID: 21446023), which suggests that this may be a clinically significant amino acid residue. In summary, the currently available evidence indicates that the variant is pathogenic, but additional data are needed to prove that conclusively. Therefore, this variant has been classified as Likely Pathogenic.

3billion
Classification: Uncertain significance for Wolfram syndrome 1. Last evaluated: 2024-06-16. Review status: criteria provided, single submitter. Criteria: ACMG Guidelines, 2015. Collection method: clinical testing. Allele origin: germline. Affected: yes.
Comment: The variant is observed at an extremely low frequency in the gnomAD v4.0.0 dataset (total allele frequency: 0.003%). Predicted Consequence/Location: Missense variant In silico tool predictions suggest damaging effect of the variant on gene or gene product [REVEL: 0.91 (>=0.6, sensitivity 0.68 and specificity 0.92)]. The same nucleotide change resulting in the same amino acid change has been previously reported to be associated with WFS1 related disorder (PMID: 21602428).A different missense change at the same codon (p.Ser430Trp) has been reported to be associated with WFS1 related disorder (ClinVar ID: VCV001297548 /PMID: 21446023). However the evidence of pathogenicity is insufficient at this time. Therefore, this variant is classified as VUS according to the recommendation of ACMG/AMP guideline.

Literature cited by the submitters: PubMed 21602428 (cited by Labcorp Genetics (formerly Invitae), Labcorp and 3billion); PubMed 21446023 (cited by Labcorp Genetics (formerly Invitae), Labcorp and 3billion).